The following is an entry in ClinVar:

ClinVar aggregate classification (germline): Pathogenic/Likely pathogenic. Review status: criteria provided, multiple submitters, no conflicts (2 of 4 stars). 4 submissions from 4 submitters: Pathogenic (2); Likely pathogenic (2). Last evaluated 2025-12-04.

Conditions:
3-methylcrotonyl-CoA carboxylase 1 deficiency (MCC1D). Also called: MCCD TYPE 1; METHYLCROTONYLGLYCINURIA TYPE I; MCC 1 deficiency; 3 Alpha methylcrotonylglycinuria 1. Identifiers: Orphanet 6, MedGen CN028786, MONDO:0008861, OMIM 210200.

Submissions (4):

Natera, Inc.
Classification: Likely pathogenic for 3-methylcrotonyl-CoA carboxylase 1 deficiency. Last evaluated: 2025-12-04. Review status: criteria provided, single submitter. Criteria: Natera Variant Classification Schema (03/2026). Collection method: clinical testing. Allele origin: germline.
Comment: The c.1541dupG variant in MCCC1 is a frameshift variant predicted to shift the reading frame beginning at codon 515 and leads to a stop codon 18 codons downstream. This variant is expected to result in nonsense mediated decay, truncation, or a dysfunctional protein product. This variant is rare in the general population with a frequency below the threshold expected for the associated phenotype(s). Given the available evidence, this variant is classified as Likely Pathogenic.

Labcorp Genetics (formerly Invitae), Labcorp
Classification: Pathogenic for 3-methylcrotonyl-CoA carboxylase 1 deficiency. Last evaluated: 2024-04-16. Review status: criteria provided, single submitter. Criteria: Invitae Variant Classification Sherloc (09022015). Collection method: clinical testing. Allele origin: germline.
Comment: This sequence change creates a premature translational stop signal (p.Leu515Serfs*18) in the MCCC1 gene. It is expected to result in an absent or disrupted protein product. Loss-of-function variants in MCCC1 are known to be pathogenic (PMID: 11181649, 15359379, 22642865). This variant is not present in population databases (gnomAD no frequency). This premature translational stop signal has been observed in individual(s) with a positive newborn screening result for MCCC1-related disease (PMID: 22264772). ClinVar contains an entry for this variant (Variation ID: 2196988). For these reasons, this variant has been classified as Pathogenic.

Fulgent Genetics
Classification: Likely pathogenic for 3-methylcrotonyl-CoA carboxylase 1 deficiency. Last evaluated: 2024-03-08. Review status: criteria provided, single submitter. Criteria: ACMG Guidelines, 2015. Collection method: clinical testing. Allele origin: germline.

Baylor Genetics
Classification: Pathogenic for 3-methylcrotonyl-CoA carboxylase 1 deficiency. Last evaluated: 2022-09-14. Review status: criteria provided, single submitter. Criteria: ACMG Guidelines, 2015. Collection method: clinical testing. Allele origin: unknown.

Literature cited by the submitters: PubMed 11181649 (cited by Labcorp Genetics (formerly Invitae), Labcorp); PubMed 15359379 (cited by Labcorp Genetics (formerly Invitae), Labcorp); PubMed 22642865 (cited by Labcorp Genetics (formerly Invitae), Labcorp); PubMed 22264772 (cited by Labcorp Genetics (formerly Invitae), Labcorp).

NM_020166.5(MCCC1):c.1541dup (p.Leu515fs)

Gene: MCCC1 (methylcrotonyl-CoA carboxylase subunit 1; minus strand). Cytogenetic location: 3q27.1.
Variant type: Duplication.
Coding change: c.1541dup on transcript NM_020166.5 (MANE Select); coding-DNA position 1541, one base duplicated (G; older notation c.1541dupG).
Protein change: p.Leu515fs; shifts the reading frame from leucine 515.
Molecular consequence: frameshift variant. On other transcripts: non-coding transcript variant (1).
Genome position (GRCh38, 1-based): chr3:183,037,271, C duplicated on the plus strand (G on the coding strand, the reverse complement: MCCC1 is on the minus strand); the first of 3 consecutive C bases (chr3:183,037,271-183,037,273); duplicating any one gives the same sequence. VCF-style (leftmost placement, unchanged base first): chr3-183037270-A-AC. GRCh37 (hg19) VCF-style: chr3-182755058-A-AC.
Other names: c.1541dupG (NM_020166.4); c.1190dup, p.Leu398fs (NM_001293273.2); c.1214dup, p.Leu406fs (NM_001363880.1); short protein forms L406fs, L515fs, L398fs.
Identifiers: ClinVar variation 2196988 (VCV002196988.7), dbSNP rs1331457189, ClinGen allele CA903587947.